The following is an entry in ClinVar:

NM_001205293.3(CACNA1E):c.1091G>A (p.Arg364Gln)

Gene: CACNA1E (calcium voltage-gated channel subunit alpha1 E; plus strand). Cytogenetic location: 1q25.3.
Variant type: single nucleotide variant.
Coding change: c.1091G>A on transcript NM_001205293.3 (MANE Select); coding-DNA position 1091, G replaced by A.
Protein change: p.Arg364Gln; replaces arginine 364 with glutamine.
Molecular consequence: missense variant.
Genome position (GRCh38, 1-based): chr1:181,710,989, G>A. VCF-style: chr1-181710989-G-A. GRCh37 (hg19) VCF-style: chr1-181680125-G-A.
Other names: c.1091G>A, p.Arg364Gln (NM_000721.4, NM_001205294.2); short protein forms R364Q.
Identifiers: ClinVar variation 1981436 (VCV001981436.4), dbSNP rs1247888338, ClinGen allele CA343622939.

ClinVar aggregate classification (germline): Uncertain significance (1 of 4 stars; one submission).

Allele frequency attached by ClinVar (database versions not stated): gnomAD exomes below 0.00001.
gnomAD v4.1: 4 of 1,613,838 alleles (0.00025%); highest among the groups gnomAD compares: Admixed American, 0.0017%; no homozygotes.

Submission:

Labcorp Genetics (formerly Invitae), Labcorp
Classification: Uncertain significance. Last evaluated: 2022-07-17. Review status: criteria provided, single submitter. Criteria: Invitae Variant Classification Sherloc (09022015). Collection method: clinical testing. Allele origin: germline.
Comment: This sequence change replaces arginine, which is basic and polar, with glutamine, which is neutral and polar, at codon 364 of the CACNA1E protein (p.Arg364Gln). This variant is present in population databases (no rsID available, gnomAD 0.003%). This variant has not been reported in the literature in individuals affected with CACNA1E-related conditions. Advanced modeling of protein sequence and biophysical properties (such as structural, functional, and spatial information, amino acid conservation, physicochemical variation, residue mobility, and thermodynamic stability) performed at Invitae indicates that this missense variant is expected to disrupt CACNA1E protein function. In summary, the available evidence is currently insufficient to determine the role of this variant in disease. Therefore, it has been classified as a Variant of Uncertain Significance.